The following is an entry in ClinVar:

NM_172362.3(KCNH1):c.2372G>A (p.Arg791His)

Gene: KCNH1 (potassium voltage-gated channel subfamily H member 1; minus strand). Cytogenetic location: 1q32.2.
Variant type: single nucleotide variant.
Coding change: c.2372G>A on transcript NM_172362.3 (MANE Select); coding-DNA position 2372, G replaced by A.
Protein change: p.Arg791His; replaces arginine 791 with histidine.
Molecular consequence: missense variant.
Genome position (GRCh38, 1-based): chr1:210,683,879, C>T on the plus strand (G>A on the coding strand, the complement: KCNH1 is on the minus strand). VCF-style: chr1-210683879-C-T. GRCh37 (hg19) VCF-style: chr1-210857221-C-T.
Other names: p.Arg791His; c.2291G>A, p.Arg764His (NM_002238.4); short protein forms R764H, R791H.
Identifiers: ClinVar variation 1247790 (VCV001247790.12), dbSNP rs139318016, ClinGen allele CA1379683.

ClinVar aggregate classification (germline): Conflicting classifications of pathogenicity. Review status: criteria provided, conflicting classifications (1 of 4 stars). 4 submissions from 4 submitters: Uncertain significance (2); Benign (1); Likely benign (1). Last evaluated 2025-12-05.

Allele frequency attached by ClinVar (database versions not stated): gnomAD exomes 0.00008; ExAC 0.00009; ESP Exome Variant Server 0.00015; 1000 Genomes Project 0.00040; 1000 Genomes Project 30x 0.00047.
gnomAD v4.1: 71 of 1,614,080 alleles (0.0044%); highest among the groups gnomAD compares: South Asian, 0.029%; no homozygotes.

Submissions (4):

Labcorp Genetics (formerly Invitae), Labcorp
Classification: Likely benign. Last evaluated: 2025-12-05. Review status: criteria provided, single submitter. Criteria: Invitae Variant Classification Sherloc (09022015). Collection method: clinical testing. Allele origin: germline.

Blueprint Genetics
Classification: Uncertain significance. Last evaluated: 2024-06-28. Review status: criteria provided, single submitter. Criteria: ACMG Guidelines, 2015. Collection method: clinical testing. Allele origin: germline.

Mayo Clinic Laboratories, Mayo Clinic
Classification: Uncertain significance. Last evaluated: 2024-01-08. Review status: criteria provided, single submitter. Criteria: ACMG Guidelines, 2015. Collection method: clinical testing. Allele origin: germline. Observed: 1 variant allele.
Comment: BS2

GeneDx
Classification: Benign. Last evaluated: 2021-01-22. Review status: criteria provided, single submitter. Criteria: GeneDx Variant Classification Process June 2021. Collection method: clinical testing. Allele origin: germline. Affected: yes.
Comment: This variant is associated with the following publications: (PMID: 29707407)

Literature cited by the submitters: PubMed 29707407 (cited by Mayo Clinic Laboratories, Mayo Clinic).